The following is an entry in ClinVar:

NM_018897.3(DNAH7):c.861T>G (p.Thr287=)

Gene: DNAH7 (dynein axonemal heavy chain 7; minus strand). Cytogenetic location: 2q32.3.
Variant type: single nucleotide variant.
Coding change: c.861T>G on transcript NM_018897.3 (MANE Select); coding-DNA position 861, T replaced by G.
Protein change: p.Thr287=; no amino-acid change (threonine 287 retained).
Molecular consequence: synonymous variant.
Genome position (GRCh38, 1-based): chr2:196,019,178, A>C on the plus strand (T>G on the coding strand, the complement: DNAH7 is on the minus strand). VCF-style: chr2-196019178-A-C. GRCh37 (hg19) VCF-style: chr2-196883902-A-C.
Identifiers: ClinVar variation 3048736 (VCV003048736.2), dbSNP rs199829090, ClinGen allele CA2036838.

ClinVar aggregate classification (germline): Likely benign (0 of 4 stars; one submission).

Conditions:
DNAH7-related disorder. Also called: DNAH7-related condition.

Allele frequency attached by ClinVar (database versions not stated): gnomAD exomes 0.00003; ExAC 0.00007; ESP Exome Variant Server 0.00017; 1000 Genomes Project 0.00020; gnomAD 0.00025; TOPMed 0.00029; 1000 Genomes Project 30x 0.00031.
gnomAD v4.1: 78 of 1,482,362 alleles (0.0053%); highest among the groups gnomAD compares: African/African-American, 0.079%; no homozygotes.

Submission:

PreventionGenetics, part of Exact Sciences
Classification: Likely benign for DNAH7-related condition. Last evaluated: 2019-11-25. Review status: no assertion criteria provided. Collection method: clinical testing. Allele origin: germline.
Comment: This variant is classified as likely benign based on ACMG/AMP sequence variant interpretation guidelines (Richards et al. 2015 PMID: 25741868, with internal and published modifications).